The following is an entry in ClinVar:

ClinVar aggregate classification (germline): Uncertain significance (1 of 4 stars; one submission).

Submission:

Labcorp Genetics (formerly Invitae), Labcorp
Classification: Uncertain significance. Last evaluated: 2025-08-12. Review status: criteria provided, single submitter. Criteria: Invitae Variant Classification Sherloc (09022015). Collection method: clinical testing. Allele origin: germline.
Comment: This sequence change replaces threonine, which is neutral and polar, with asparagine, which is neutral and polar, at codon 569 of the ADGRE2 protein (p.Thr569Asn). This variant is not present in population databases (gnomAD no frequency). This variant has not been reported in the literature in individuals affected with ADGRE2-related conditions. An algorithm developed to predict the effect of missense changes on protein structure and function (PolyPhen-2) suggests that this variant is likely to be disruptive. In summary, the available evidence is currently insufficient to determine the role of this variant in disease. Therefore, it has been classified as a Variant of Uncertain Significance.

NM_013447.4(ADGRE2):c.1706C>A (p.Thr569Asn)

Gene: ADGRE2 (adhesion G protein-coupled receptor E2; minus strand). Cytogenetic location: 19p13.12.
Variant type: single nucleotide variant.
Coding change: c.1706C>A on transcript NM_013447.4 (MANE Select); coding-DNA position 1706, C replaced by A.
Protein change: p.Thr569Asn; replaces threonine 569 with asparagine.
Molecular consequence: missense variant.
Genome position (GRCh38, 1-based): chr19:14,752,411, G>T on the plus strand (C>A on the coding strand, the complement: ADGRE2 is on the minus strand). VCF-style: chr19-14752411-G-T. GRCh37 (hg19) VCF-style: chr19-14863223-G-T.
Other names: c.1532C>A, p.Thr511Asn (NM_001271052.1); c.1559C>A, p.Thr520Asn (NM_152916.2); c.1427C>A, p.Thr476Asn (NM_152917.2); short protein forms T511N, T476N, T569N, T520N.
Identifiers: ClinVar variation 4725011 (VCV004725011.1).